The following is an entry in ClinVar:

ClinVar aggregate classification (germline): Uncertain significance (1 of 4 stars; one submission).

Conditions:
Cardiovascular phenotype. Identifiers: MedGen CN230736.

gnomAD v4.1: 25 of 1,614,190 alleles (0.0015%); highest among the groups gnomAD compares: Non-Finnish European, 0.0021%; no homozygotes.

Submission:

Ambry Genetics
Classification: Uncertain significance for Cardiovascular phenotype. Last evaluated: 2025-03-25. Review status: criteria provided, single submitter. Criteria: Ambry Variant Classification Scheme 2023. Collection method: clinical testing. Allele origin: germline.
Comment: The p.H249P variant (also known as c.746A>C), located in coding exon 6 of the ABCG8 gene, results from an A to C substitution at nucleotide position 746. The histidine at codon 249 is replaced by proline, an amino acid with similar properties. This amino acid position is conserved. In addition, the in silico prediction for this alteration is inconclusive. Based on the available evidence, the clinical significance of this variant remains unclear.

NM_022437.3(ABCG8):c.746A>C (p.His249Pro)

Gene: ABCG8 (ATP binding cassette subfamily G member 8; plus strand). Cytogenetic location: 2p21.
Variant type: single nucleotide variant.
Coding change: c.746A>C on transcript NM_022437.3 (MANE Select); coding-DNA position 746, A replaced by C.
Protein change: p.His249Pro; replaces histidine 249 with proline.
Molecular consequence: missense variant.
Genome position (GRCh38, 1-based): chr2:43,852,650, A>C. VCF-style: chr2-43852650-A-C. GRCh37 (hg19) VCF-style: chr2-44079789-A-C.
Other names: c.746A>C, p.His249Pro (NM_001357321.2); short protein forms H249P.
Identifiers: ClinVar variation 3992589 (VCV003992589.1).